The following is an entry in ClinVar:

ClinVar aggregate classification (germline): Uncertain significance (1 of 4 stars; one submission).

Conditions:
Charcot-Marie-Tooth disease axonal type 2O. Also called: Charcot-Marie-Tooth disease, axonal, type 20; CHARCOT-MARIE-TOOTH NEUROPATHY, AXONAL, TYPE 2O; CHARCOT-MARIE-TOOTH DISEASE, AXONAL, AUTOSOMAL DOMINANT, TYPE 2O; Charcot-Marie-Tooth Neuropathy Type 2O. Identifiers: Orphanet 284232, MedGen C3280220, MONDO:0013644, OMIM 614228.

Submission:

Labcorp Genetics (formerly Invitae), Labcorp
Classification: Uncertain significance for Charcot-Marie-Tooth disease axonal type 2O. Last evaluated: 2024-07-23. Review status: criteria provided, single submitter. Criteria: Invitae Variant Classification Sherloc (09022015). Collection method: clinical testing. Allele origin: germline.
Comment: This sequence change replaces lysine, which is basic and polar, with methionine, which is neutral and non-polar, at codon 2323 of the DYNC1H1 protein (p.Lys2323Met). This variant is not present in population databases (gnomAD no frequency). This variant has not been reported in the literature in individuals affected with DYNC1H1-related conditions. Advanced modeling of protein sequence and biophysical properties (such as structural, functional, and spatial information, amino acid conservation, physicochemical variation, residue mobility, and thermodynamic stability) performed at Invitae indicates that this missense variant is expected to disrupt DYNC1H1 protein function with a positive predictive value of 95%. In summary, the available evidence is currently insufficient to determine the role of this variant in disease. Therefore, it has been classified as a Variant of Uncertain Significance.

NM_001376.5(DYNC1H1):c.6968A>T (p.Lys2323Met)

Gene: DYNC1H1 (dynein cytoplasmic 1 heavy chain 1; plus strand). Cytogenetic location: 14q32.31.
Variant type: single nucleotide variant.
Coding change: c.6968A>T on transcript NM_001376.5 (MANE Select); coding-DNA position 6968, A replaced by T.
Protein change: p.Lys2323Met; replaces lysine 2323 with methionine.
Molecular consequence: missense variant.
Genome position (GRCh38, 1-based): chr14:102,012,424, A>T. VCF-style: chr14-102012424-A-T. GRCh37 (hg19) VCF-style: chr14-102478761-A-T.
Other names: short protein forms K2323M.
Identifiers: ClinVar variation 3636155 (VCV003636155.2).